The following is an entry in ClinVar:

ClinVar aggregate classification (germline): Uncertain significance (1 of 4 stars; one submission).

Conditions:
Charcot-Marie-Tooth disease type 4. Also called: Charcot-Marie-Tooth disease, type IV; Charcot-Marie-Tooth, Type 4. Identifiers: Orphanet 64749, MedGen C4082197, MONDO:0018995.

Allele frequency attached by ClinVar (database versions not stated): ExAC 0.00002; gnomAD 0.00002; TOPMed 0.00002; ESP Exome Variant Server 0.00008.
gnomAD v4.1: 5 of 1,239,326 alleles (0.0004%); highest among the groups gnomAD compares: African/African-American, 0.0015%; no homozygotes.

Submission:

Labcorp Genetics (formerly Invitae), Labcorp
Classification: Uncertain significance for Charcot-Marie-Tooth disease type 4. Last evaluated: 2022-01-15. Review status: criteria provided, single submitter. Criteria: Invitae Variant Classification Sherloc (09022015). Collection method: clinical testing. Allele origin: germline.
Comment: Algorithms developed to predict the effect of missense changes on protein structure and function are either unavailable or do not agree on the potential impact of this missense change (SIFT: "Deleterious"; PolyPhen-2: "Possibly Damaging"; Align-GVGD: "Class C0"). This sequence change replaces proline, which is neutral and non-polar, with leucine, which is neutral and non-polar, at codon 339 of the SBF2 protein (p.Pro339Leu). This variant is present in population databases (rs149794117, gnomAD 0.004%). This variant has not been reported in the literature in individuals affected with SBF2-related conditions. In summary, the available evidence is currently insufficient to determine the role of this variant in disease. Therefore, it has been classified as a Variant of Uncertain Significance.

NM_030962.4(SBF2):c.1016C>T (p.Pro339Leu)

Gene: SBF2 (SET binding factor 2; minus strand). Cytogenetic location: 11p15.4.
Variant type: single nucleotide variant.
Coding change: c.1016C>T on transcript NM_030962.4 (MANE Select); coding-DNA position 1016, C replaced by T.
Protein change: p.Pro339Leu; replaces proline 339 with leucine.
Molecular consequence: missense variant.
Genome position (GRCh38, 1-based): chr11:9,993,958, G>A on the plus strand (C>T on the coding strand, the complement: SBF2 is on the minus strand). VCF-style: chr11-9993958-G-A. GRCh37 (hg19) VCF-style: chr11-10015505-G-A.
Other names: c.1016C>T, p.Pro339Leu (NM_001386339.1, NM_001386342.1); short protein forms P339L.
Identifiers: ClinVar variation 2179025 (VCV002179025.4), dbSNP rs149794117, ClinGen allele CA5881938.